The following is an entry in ClinVar:

ClinVar aggregate classification (germline): Uncertain significance (1 of 4 stars; one submission).

Conditions:
Long QT syndrome (LQTS). Identifiers: MedGen C0023976, MeSH D008133, MONDO:0002442. Disease mechanism: loss of function. Inheritance: Various modes of inheritance.

Submission:

Labcorp Genetics (formerly Invitae), Labcorp
Classification: Uncertain significance for Long QT syndrome. Last evaluated: 2020-02-04. Review status: criteria provided, single submitter. Criteria: Invitae Variant Classification Sherloc (09022015). Collection method: clinical testing. Allele origin: germline.
Comment: Algorithms developed to predict the effect of missense changes on protein structure and function (SIFT, PolyPhen-2, Align-GVGD) all suggest that this variant is likely to be tolerated, but these predictions have not been confirmed by published functional studies and their clinical significance is uncertain. In summary, the available evidence is currently insufficient to determine the role of this variant in disease. Therefore, it has been classified as a Variant of Uncertain Significance. This variant has not been reported in the literature in individuals with AKAP9-related conditions. This variant is not present in population databases (ExAC no frequency). This sequence change replaces threonine with proline at codon 786 of the AKAP9 protein (p.Thr786Pro). The threonine residue is weakly conserved and there is a small physicochemical difference between threonine and proline.

NM_005751.5(AKAP9):c.2356A>C (p.Thr786Pro)

Gene: AKAP9 (A-kinase anchoring protein 9; plus strand). Cytogenetic location: 7q21.2.
Variant type: single nucleotide variant.
Coding change: c.2356A>C on transcript NM_005751.5 (MANE Select); coding-DNA position 2356, A replaced by C.
Protein change: p.Thr786Pro; replaces threonine 786 with proline.
Molecular consequence: missense variant.
Genome position (GRCh38, 1-based): chr7:92,002,273, A>C. VCF-style: chr7-92002273-A-C. GRCh37 (hg19) VCF-style: chr7-91631587-A-C.
Other names: c.2356A>C, p.Thr786Pro (NM_147185.3); short protein forms T786P.
Identifiers: ClinVar variation 1016293 (VCV001016293.8), dbSNP rs1799267991, ClinGen allele CA368123932.